The following is an entry in ClinVar:

NM_024675.4(PALB2):c.10C>T (p.Pro4Ser)

Gene: PALB2 (partner and localizer of BRCA2; minus strand). Cytogenetic location: 16p12.2.
Variant type: single nucleotide variant.
Coding change: c.10C>T on transcript NM_024675.4 (MANE Select); coding-DNA position 10, C replaced by T.
Protein change: p.Pro4Ser; replaces proline 4 with serine.
Molecular consequence: missense variant.
Genome position (GRCh38, 1-based): chr16:23,641,148, G>A on the plus strand (C>T on the coding strand, the complement: PALB2 is on the minus strand). VCF-style: chr16-23641148-G-A. GRCh37 (hg19) VCF-style: chr16-23652469-G-A.
Other names: p.P4S:CCT>TCT; short protein forms P4S.
Identifiers: ClinVar variation 142468 (VCV000142468.27), dbSNP rs587782483, ClinGen allele CA294407.
Genomic context (GRCh38, chr16:23,641,148, plus strand): 5'-GCCCTTCCCGCACCCCCGGCACCTTTTCCTTCTCCTCACAGCTGAGGGGCTTCCCGGGAG[G>A]CTCGTCCATCGGGCAGGCGACAGAACGAAAAGAGCAGCCGTCGCCGACCCCAGGCCTGCC-3'
Protein context (NP_078951.2, residues 1-14): MDE[Pro4Ser]PGKPLSCEEK

ClinVar aggregate classification (germline): Conflicting classifications of pathogenicity. Review status: criteria provided, conflicting classifications (1 of 4 stars). 8 submissions from 8 submitters: Uncertain significance (5); Likely benign (2). 1 of the submissions does not count toward it. Last evaluated 2026-01-25.

Conditions:
Hereditary cancer-predisposing syndrome. Also called: Hereditary Cancer Syndrome; Neoplastic Syndromes, Hereditary; Hereditary neoplastic syndrome; Tumor predisposition. Identifiers: Orphanet 140162, MedGen C0027672, MeSH D009386, MONDO:0015356.
Familial cancer of breast. Also called: BREAST CANCER, FAMILIAL; Hereditary breast cancer; hereditary breast carcinoma. Identifiers: Orphanet 227535, MedGen C0346153, MONDO:0016419, OMIM 114480. Disease mechanism: loss of function.

Allele frequency attached by ClinVar (database versions not stated): gnomAD exomes below 0.00001; gnomAD 0.00001; TOPMed 0.00001.
gnomAD v4.1: 4 of 1,613,078 alleles (0.00025%); highest among the groups gnomAD compares: Non-Finnish European, 0.00034%; no homozygotes.

Submissions (8):

Labcorp Genetics (formerly Invitae), Labcorp
Classification: Uncertain significance for Familial cancer of breast. Last evaluated: 2026-01-25. Review status: criteria provided, single submitter. Criteria: Invitae Variant Classification Sherloc (09022015). Collection method: clinical testing. Allele origin: germline.
Comment: This sequence change replaces proline, which is neutral and non-polar, with serine, which is neutral and polar, at codon 4 of the PALB2 protein (p.Pro4Ser). This variant is present in population databases (rs587782483, gnomAD 0.002%). This variant has not been reported in the literature in individuals affected with PALB2-related conditions. ClinVar contains an entry for this variant (Variation ID: 142468). An algorithm developed to predict the effect of missense changes on protein structure and function (PolyPhen-2) suggests that this variant is likely to be disruptive. In summary, the available evidence is currently insufficient to determine the role of this variant in disease. Therefore, it has been classified as a Variant of Uncertain Significance.

Color Diagnostics, LLC DBA Color Health
Classification: Uncertain significance for Hereditary cancer-predisposing syndrome. Last evaluated: 2025-07-18. Review status: criteria provided, single submitter. Criteria: ACMG Guidelines, 2015. Collection method: clinical testing. Allele origin: germline.
Comment: This missense variant replaces proline with serine at codon 4 of the PALB2 protein. Computational prediction suggests that this variant may not impact protein structure and function. A functional study reported that this variant has nearly wild-type activity in homology-directed DNA repair assay and relative resistance to PARP inhibitor (PMID: 31757951). This variant has not been reported in individuals affected with PALB2-related disorders in the literature. This variant has been identified in 2/278454 chromosomes in the general population by the Genome Aggregation Database (gnomAD). The available evidence is insufficient to determine the role of this variant in disease conclusively. Therefore, this variant is classified as a Variant of Uncertain Significance.

GeneDx
Classification: Uncertain significance. Last evaluated: 2024-12-09. Review status: criteria provided, single submitter. Criteria: GeneDx Variant Classification Process June 2021. Collection method: clinical testing. Allele origin: germline. Affected: yes.
Comment: Not observed at significant frequency in large population cohorts (gnomAD); In silico analysis supports that this missense variant has a deleterious effect on protein structure/function; Published functional studies suggest no impact on homology directed repair activity (PMID: 31757951); This variant is associated with the following publications: (PMID: 20871615, 19369211, 31757951)

Ambry Genetics
Classification: Likely benign for Hereditary cancer-predisposing syndrome. Last evaluated: 2024-05-01. Review status: criteria provided, single submitter. Criteria: Ambry Variant Classification Scheme 2023. Collection method: clinical testing. Allele origin: germline.

Myriad Genetics, Inc.
Classification: Likely benign for Familial cancer of breast. Last evaluated: 2024-04-09. Review status: criteria provided, single submitter. Criteria: Myriad Autosomal Dominant, Autosomal Recessive and X-Linked Classification Criteria (2023). Collection method: clinical testing. Allele origin: unknown.
Comment: This variant is considered likely benign. This variant is strongly associated with less severe personal and family histories of cancer, typical for individuals without pathogenic variants in this gene [PMID: 25085752].

Baylor Genetics
Classification: Uncertain significance for Familial cancer of breast. Last evaluated: 2023-08-25. Review status: criteria provided, single submitter. Criteria: ACMG Guidelines, 2015. Collection method: clinical testing. Allele origin: unknown.

Clinical Genetics Laboratory, Skane University Hospital Lund
Classification: Uncertain significance. Last evaluated: 2022-06-03. Review status: criteria provided, single submitter. Criteria: ACMG Guidelines, 2015. Collection method: clinical testing. Allele origin: germline. Affected: yes.

Counsyl
Classification: Uncertain significance for Familial cancer of breast. Last evaluated: 2018-04-27. Review status: no assertion criteria provided. Collection method: clinical testing. Allele origin: unknown. Not counted in ClinVar's aggregate classification.

Literature cited by the submitters: PubMed 31757951 (cited by Color Diagnostics, LLC DBA Color Health and Ambry Genetics); PubMed 25085752 (cited by Myriad Genetics, Inc.).